The following is an entry in ClinVar:

NM_025137.4(SPG11):c.6477+5G>C

Gene: SPG11 (SPG11 vesicle trafficking associated, spatacsin; minus strand). Cytogenetic location: 15q21.1.
Variant type: single nucleotide variant.
Coding change: c.6477+5G>C on transcript NM_025137.4 (MANE Select); 5 bases into the intron after coding-DNA position 6477, G replaced by C.
Molecular consequence: intron variant.
Genome position (GRCh38, 1-based): chr15:44,570,520, C>G on the plus strand (G>C on the coding strand, the complement: SPG11 is on the minus strand). VCF-style: chr15-44570520-C-G. GRCh37 (hg19) VCF-style: chr15-44862718-C-G.
Other names: c.6138+5G>C (NM_001160227.2).
Identifiers: ClinVar variation 2178620 (VCV002178620.4), dbSNP rs2140922964, ClinGen allele CA2580089445.

ClinVar aggregate classification (germline): Uncertain significance (1 of 4 stars; one submission).

Conditions:
Hereditary spastic paraplegia 11. Also called: SPASTIC PARAPLEGIA, AUTOSOMAL RECESSIVE, COMPLICATED, WITH THIN CORPUS CALLOSUM; SPASTIC PARAPLEGIA, AUTOSOMAL RECESSIVE, WITH MENTAL IMPAIRMENT AND THIN CORPUS CALLOSUM; Spastic Paraplegia 11; Nakamura Osame syndrome; Autosomal recessive hereditary spastic paraplegia, mental impairment, and thin corpus callosum; Spastic paraplegia, mental retardation and thin corpus callosum. Identifiers: Orphanet 2822, MedGen C1858479, MONDO:0011445, OMIM 604360.

Submission:

Labcorp Genetics (formerly Invitae), Labcorp
Classification: Uncertain significance for Hereditary spastic paraplegia 11. Last evaluated: 2022-07-12. Review status: criteria provided, single submitter. Criteria: Invitae Variant Classification Sherloc (09022015). Collection method: clinical testing. Allele origin: germline.
Comment: In summary, the available evidence is currently insufficient to determine the role of this variant in disease. Therefore, it has been classified as a Variant of Uncertain Significance. Variants that disrupt the consensus splice site are a relatively common cause of aberrant splicing (PMID: 17576681, 9536098). Algorithms developed to predict the effect of sequence changes on RNA splicing suggest that this variant may disrupt the consensus splice site. This variant has not been reported in the literature in individuals affected with SPG11-related conditions. This variant is not present in population databases (gnomAD no frequency). This sequence change falls in intron 34 of the SPG11 gene. It does not directly change the encoded amino acid sequence of the SPG11 protein. It affects a nucleotide within the consensus splice site.

Literature cited by the submitters: PubMed 17576681; PubMed 9536098.